The following is an entry in ClinVar:

ClinVar aggregate classification (germline): Likely benign (1 of 4 stars; one submission).

gnomAD v4.1: 1 of 1,612,194 alleles (0.000062%); no homozygotes.

Submission:

CeGaT Center for Human Genetics Tuebingen
Classification: Likely benign. Last evaluated: 2025-12-01. Review status: criteria provided, single submitter. Criteria: CeGaT Center For Human Genetics Tuebingen Variant Classification Criteria Version 2. Collection method: clinical testing. Allele origin: germline. Affected: yes. Observed: 1 variant allele.
Comment: MED13: BP4, BP7

NM_005121.3(MED13):c.1998A>G (p.Lys666=)

Gene: MED13 (mediator complex subunit 13; minus strand). Cytogenetic location: 17q23.2.
Variant type: single nucleotide variant.
Coding change: c.1998A>G on transcript NM_005121.3 (MANE Select); coding-DNA position 1998, A replaced by G.
Protein change: p.Lys666=; no amino-acid change (lysine 666 retained).
Molecular consequence: synonymous variant.
Genome position (GRCh38, 1-based): chr17:61,995,335, T>C on the plus strand (A>G on the coding strand, the complement: MED13 is on the minus strand). VCF-style: chr17-61995335-T-C. GRCh37 (hg19) VCF-style: chr17-60072696-T-C.
Identifiers: ClinVar variation 4681633 (VCV004681633.5).